The following is an entry in ClinVar:

ClinVar aggregate classification (germline): Uncertain significance. Review status: criteria provided, multiple submitters, no conflicts (2 of 4 stars). 2 submissions from 2 submitters: Uncertain significance (2). Last evaluated 2025-02-10.

Allele frequency attached by ClinVar (database versions not stated): gnomAD 0.00001.
gnomAD v4.1: 8 of 1,609,710 alleles (0.0005%); highest among the groups gnomAD compares: Admixed American, 0.0084%; no homozygotes.

Submissions (2):

Labcorp Genetics (formerly Invitae), Labcorp
Classification: Uncertain significance. Last evaluated: 2025-02-10. Review status: criteria provided, single submitter. Criteria: Invitae Variant Classification Sherloc (09022015). Collection method: clinical testing. Allele origin: germline.
Comment: This sequence change replaces glutamic acid, which is acidic and polar, with aspartic acid, which is acidic and polar, at codon 721 of the CACNA2D4 protein (p.Glu721Asp). This variant is present in population databases (rs776592012, gnomAD 0.02%). This variant has not been reported in the literature in individuals affected with CACNA2D4-related conditions. ClinVar contains an entry for this variant (Variation ID: 1347575). An algorithm developed to predict the effect of missense changes on protein structure and function (PolyPhen-2) suggests that this variant is likely to be tolerated. In summary, the available evidence is currently insufficient to determine the role of this variant in disease. Therefore, it has been classified as a Variant of Uncertain Significance.

Blueprint Genetics
Classification: Uncertain significance. Last evaluated: 2022-12-16. Review status: criteria provided, single submitter. Criteria: ACMG Guidelines, 2015. Collection method: clinical testing. Allele origin: germline.

NM_172364.5(CACNA2D4):c.2163G>C (p.Glu721Asp)

Gene: CACNA2D4 (calcium voltage-gated channel auxiliary subunit alpha2delta 4; minus strand). Cytogenetic location: 12p13.33.
Variant type: single nucleotide variant.
Coding change: c.2163G>C on transcript NM_172364.5 (MANE Select); coding-DNA position 2163, G replaced by C.
Protein change: p.Glu721Asp; replaces glutamic acid 721 with aspartic acid.
Molecular consequence: missense variant.
Genome position (GRCh38, 1-based): chr12:1,854,034, C>G on the plus strand (G>C on the coding strand, the complement: CACNA2D4 is on the minus strand). VCF-style: chr12-1854034-C-G. GRCh37 (hg19) VCF-style: chr12-1963200-C-G.
Other names: short protein forms E721D.
Identifiers: ClinVar variation 1347575 (VCV001347575.9), dbSNP rs776592012, ClinGen allele CA6386814.